The following is an entry in ClinVar:

ClinVar aggregate classification (germline): Conflicting classifications of pathogenicity. Review status: criteria provided, conflicting classifications (1 of 4 stars). 3 submissions from 3 submitters: Uncertain significance (2); Likely benign (1). Last evaluated 2024-12-10.

Conditions:
Cardiovascular phenotype. Identifiers: MedGen CN230736.
Long QT syndrome (LQTS). Identifiers: MedGen C0023976, MeSH D008133, MONDO:0002442. Disease mechanism: loss of function. Inheritance: Various modes of inheritance.

Allele frequency attached by ClinVar (database versions not stated): ExAC 0.00002; TOPMed 0.00003; gnomAD exomes 0.00004; gnomAD 0.00007 and 0.00009; ESP Exome Variant Server 0.00008.
gnomAD v4.1: 78 of 1,613,304 alleles (0.0048%); highest among the groups gnomAD compares: Admixed American, 0.01%; no homozygotes.

Submissions (3):

Labcorp Genetics (formerly Invitae), Labcorp
Classification: Uncertain significance for Long QT syndrome. Last evaluated: 2024-12-10. Review status: criteria provided, single submitter. Criteria: Invitae Variant Classification Sherloc (09022015). Collection method: clinical testing. Allele origin: germline.
Comment: This sequence change replaces asparagine, which is neutral and polar, with serine, which is neutral and polar, at codon 977 of the AKAP9 protein (p.Asn977Ser). This variant is present in population databases (rs369206894, gnomAD 0.01%). This variant has not been reported in the literature in individuals affected with AKAP9-related conditions. ClinVar contains an entry for this variant (Variation ID: 839406). An algorithm developed to predict the effect of missense changes on protein structure and function outputs the following: PolyPhen-2: "Benign". The serine amino acid residue is found in multiple mammalian species, which suggests that this missense change does not adversely affect protein function. In summary, the available evidence is currently insufficient to determine the role of this variant in disease. Therefore, it has been classified as a Variant of Uncertain Significance.

Ambry Genetics
Classification: Likely benign for Cardiovascular phenotype. Last evaluated: 2023-01-23. Review status: criteria provided, single submitter. Criteria: Ambry Variant Classification Scheme 2023. Collection method: clinical testing. Allele origin: germline.

Women's Health and Genetics/Laboratory Corporation of America, LabCorp
Classification: Uncertain significance. Last evaluated: 2022-11-06. Review status: criteria provided, single submitter. Criteria: LabCorp Variant Classification Summary - May 2015. Collection method: clinical testing. Allele origin: germline.

NM_005751.5(AKAP9):c.2930A>G (p.Asn977Ser)

Gene: AKAP9 (A-kinase anchoring protein 9; plus strand). Cytogenetic location: 7q21.2.
Variant type: single nucleotide variant.
Coding change: c.2930A>G on transcript NM_005751.5 (MANE Select); coding-DNA position 2930, A replaced by G.
Protein change: p.Asn977Ser; replaces asparagine 977 with serine.
Molecular consequence: missense variant.
Genome position (GRCh38, 1-based): chr7:92,002,847, A>G. VCF-style: chr7-92002847-A-G. GRCh37 (hg19) VCF-style: chr7-91632161-A-G.
Other names: c.2930A>G, p.Asn977Ser (NM_147185.3); short protein forms N977S.
Identifiers: ClinVar variation 839406 (VCV000839406.12), dbSNP rs369206894, ClinGen allele CA4336218.